The following is an entry in ClinVar:

NM_172364.5(CACNA2D4):c.2008+3G>A

Gene: CACNA2D4 (calcium voltage-gated channel auxiliary subunit alpha2delta 4; minus strand). Cytogenetic location: 12p13.33.
Variant type: single nucleotide variant.
Coding change: c.2008+3G>A on transcript NM_172364.5 (MANE Select); 3 bases into the intron after coding-DNA position 2008, G replaced by A.
Molecular consequence: intron variant.
Genome position (GRCh38, 1-based): chr12:1,858,574, C>T on the plus strand (G>A on the coding strand, the complement: CACNA2D4 is on the minus strand). VCF-style: chr12-1858574-C-T. GRCh37 (hg19) VCF-style: chr12-1967740-C-T.
Identifiers: ClinVar variation 938991 (VCV000938991.8), dbSNP rs376601730, ClinGen allele CA6386895.

ClinVar aggregate classification (germline): Conflicting classifications of pathogenicity. Review status: criteria provided, conflicting classifications (1 of 4 stars). 2 submissions from 2 submitters: Uncertain significance (1); Likely benign (1). Last evaluated 2022-02-06.

Allele frequency attached by ClinVar (database versions not stated): ExAC 0.00001; gnomAD 0.00001; gnomAD exomes 0.00001; TOPMed 0.00001; ESP Exome Variant Server 0.00008.
gnomAD v4.1: 12 of 1,613,470 alleles (0.00074%); highest among the groups gnomAD compares: Non-Finnish European, 0.001%; no homozygotes.

Submissions (2):

Labcorp Genetics (formerly Invitae), Labcorp
Classification: Uncertain significance. Last evaluated: 2022-02-06. Review status: criteria provided, single submitter. Criteria: Invitae Variant Classification Sherloc (09022015). Collection method: clinical testing. Allele origin: germline.
Comment: This variant has not been reported in the literature in individuals affected with CACNA2D4-related conditions. In summary, the available evidence is currently insufficient to determine the role of this variant in disease. Therefore, it has been classified as a Variant of Uncertain Significance. Variants that disrupt the consensus splice site are a relatively common cause of aberrant splicing (PMID: 17576681, 9536098). Algorithms developed to predict the effect of sequence changes on RNA splicing suggest that this variant is not likely to affect RNA splicing. ClinVar contains an entry for this variant (Variation ID: 938991). This variant is present in population databases (rs376601730, gnomAD 0.007%). This sequence change falls in intron 20 of the CACNA2D4 gene. It does not directly change the encoded amino acid sequence of the CACNA2D4 protein. It affects a nucleotide within the consensus splice site.

Blueprint Genetics
Classification: Likely benign. Last evaluated: 2019-06-26. Review status: criteria provided, single submitter. Criteria: ACMG Guidelines, 2015. Collection method: clinical testing. Allele origin: germline.

Literature cited by the submitters: PubMed 17576681 (cited by Labcorp Genetics (formerly Invitae), Labcorp); PubMed 9536098 (cited by Labcorp Genetics (formerly Invitae), Labcorp).